The following is an entry in ClinVar:

ClinVar aggregate classification (germline): Uncertain significance. Review status: criteria provided, multiple submitters, no conflicts (2 of 4 stars). 2 submissions from 2 submitters: Uncertain significance (2). Last evaluated 2025-08-07.

Conditions:
Hereditary cancer-predisposing syndrome. Also called: Hereditary neoplastic syndrome; Neoplastic Syndromes, Hereditary; Hereditary Cancer Syndrome; Tumor predisposition. Identifiers: Orphanet 140162, MedGen C0027672, MeSH D009386, MONDO:0015356.

Submissions (2):

Ambry Genetics
Classification: Uncertain significance for Hereditary cancer-predisposing syndrome. Last evaluated: 2025-08-07. Review status: criteria provided, single submitter. Criteria: Ambry Variant Classification Scheme 2023. Collection method: clinical testing. Allele origin: germline.
Comment: The p.V269L variant (also known as c.805G>C), located in coding exon 2 of the HOXB13 gene, results from a G to C substitution at nucleotide position 805. The valine at codon 269 is replaced by leucine, an amino acid with highly similar properties. This amino acid position is conserved. In addition, this alteration is predicted to be deleterious by in silico analysis. Based on the available evidence, the clinical significance of this variant remains unclear.

Labcorp Genetics (formerly Invitae), Labcorp
Classification: Uncertain significance. Last evaluated: 2022-10-13. Review status: criteria provided, single submitter. Criteria: Invitae Variant Classification Sherloc (09022015). Collection method: clinical testing. Allele origin: germline.
Comment: In summary, the available evidence is currently insufficient to determine the role of this variant in disease. Therefore, it has been classified as a Variant of Uncertain Significance. Advanced modeling of protein sequence and biophysical properties (such as structural, functional, and spatial information, amino acid conservation, physicochemical variation, residue mobility, and thermodynamic stability) performed at Invitae indicates that this missense variant is expected to disrupt HOXB13 protein function. This variant has not been reported in the literature in individuals affected with HOXB13-related conditions. This variant is not present in population databases (gnomAD no frequency). This sequence change replaces valine, which is neutral and non-polar, with leucine, which is neutral and non-polar, at codon 269 of the HOXB13 protein (p.Val269Leu).

NM_006361.6(HOXB13):c.805G>C (p.Val269Leu)

Gene: HOXB13 (homeobox B13; minus strand). Cytogenetic location: 17q21.32.
Variant type: single nucleotide variant.
Coding change: c.805G>C on transcript NM_006361.6 (MANE Select); coding-DNA position 805, G replaced by C.
Protein change: p.Val269Leu; replaces valine 269 with leucine.
Molecular consequence: missense variant.
Genome position (GRCh38, 1-based): chr17:48,726,840, C>G on the plus strand (G>C on the coding strand, the complement: HOXB13 is on the minus strand). VCF-style: chr17-48726840-C-G. GRCh37 (hg19) VCF-style: chr17-46804202-C-G.
Other names: short protein forms V269L.
Identifiers: ClinVar variation 1721533 (VCV001721533.6), dbSNP rs1597932479, ClinGen allele CA400105547.